The following is an entry in ClinVar:

NM_006231.4(POLE):c.2133C>G (p.Ser711=)

Gene: POLE (DNA polymerase epsilon, catalytic subunit; minus strand). Cytogenetic location: 12q24.33.
Variant type: single nucleotide variant.
Coding change: c.2133C>G on transcript NM_006231.4 (MANE Select); coding-DNA position 2133, C replaced by G.
Protein change: p.Ser711=; no amino-acid change (serine 711 retained).
Molecular consequence: synonymous variant.
Genome position (GRCh38, 1-based): chr12:132,668,396, G>C on the plus strand (C>G on the coding strand, the complement: POLE is on the minus strand). VCF-style: chr12-132668396-G-C. GRCh37 (hg19) VCF-style: chr12-133244982-G-C.
Identifiers: ClinVar variation 511994 (VCV000511994.11), dbSNP rs1368511972, ClinGen allele CA482722204.

ClinVar aggregate classification (germline): Likely benign. Review status: criteria provided, multiple submitters, no conflicts (2 of 4 stars). 3 submissions from 3 submitters: Likely benign (3). Last evaluated 2025-12-30.

Conditions:
Hereditary cancer-predisposing syndrome. Also called: Hereditary Cancer Syndrome; Neoplastic Syndromes, Hereditary; Tumor predisposition; Hereditary neoplastic syndrome. Identifiers: Orphanet 140162, MedGen C0027672, MeSH D009386, MONDO:0015356.

Allele frequency attached by ClinVar (database versions not stated): TOPMed below 0.00001.
gnomAD v4.1: 2 of 1,610,080 alleles (0.00012%); highest among the groups gnomAD compares: Non-Finnish European, 0.00017%; no homozygotes.

Submissions (3):

Labcorp Genetics (formerly Invitae), Labcorp
Classification: Likely benign. Last evaluated: 2025-12-30. Review status: criteria provided, single submitter. Criteria: Invitae Variant Classification Sherloc (09022015). Collection method: clinical testing. Allele origin: germline.

Ambry Genetics
Classification: Likely benign for Hereditary cancer-predisposing syndrome. Last evaluated: 2022-09-18. Review status: criteria provided, single submitter. Criteria: Ambry Variant Classification Scheme 2023. Collection method: clinical testing. Allele origin: germline.

GeneDx
Classification: Likely benign. Last evaluated: 2017-09-06. Review status: criteria provided, single submitter. Criteria: GeneDx Variant Classification (06012015). Collection method: clinical testing. Allele origin: germline. Affected: yes.
Comment: This variant is considered likely benign or benign based on one or more of the following criteria: it is a conservative change, it occurs at a poorly conserved position in the protein, it is predicted to be benign by multiple in silico algorithms, and/or has population frequency not consistent with disease.